The following is an entry in ClinVar:

NM_001165963.4(SCN1A):c.5351T>C (p.Val1784Ala)

Genes: SCN1A (sodium voltage-gated channel alpha subunit 1; minus strand), LOC102724058 (uncharacterized LOC102724058; plus strand). Cytogenetic location: 2q24.3.
Variant type: single nucleotide variant.
Coding change: c.5351T>C on transcript NM_001165963.4 (MANE Select); coding-DNA position 5351, T replaced by C.
Protein change: p.Val1784Ala; replaces valine 1784 with alanine.
Molecular consequence: missense variant. On other transcripts: non-coding transcript variant (1).
Genome position (GRCh38, 1-based): chr2:165,991,924, A>G on the plus strand (T>C on the coding strand, the complement: SCN1A is on the minus strand). VCF-style: chr2-165991924-A-G. GRCh37 (hg19) VCF-style: chr2-166848434-A-G.
Other names: c.5267T>C, p.Val1756Ala (NM_001165964.3, NM_001353957.2, NM_001353958.2); c.5351T>C, p.Val1784Ala (NM_001202435.3, NM_001353948.2); c.5318T>C, p.Val1773Ala (NM_001353949.2, NM_001353950.2, NM_001353951.2 and 2 more transcripts); c.5315T>C, p.Val1772Ala (NM_001353954.2, NM_001353955.2); c.5264T>C, p.Val1755Ala (NM_001353960.2); c.2909T>C, p.Val970Ala (NM_001353961.2); short protein forms V1773A, V1784A, V1772A, V1756A, V970A, V1755A.
Identifiers: ClinVar variation 374394 (VCV000374394.1), dbSNP rs1057518671, ClinGen allele CA16043651.

ClinVar aggregate classification (germline): Likely pathogenic (0 of 4 stars; one submission).

Conditions:
Severe myoclonic epilepsy in infancy (DRVT). Also called: Epileptic encephalopathy, early infantile, 6 (Dravet syndrome); DEVELOPMENTAL AND EPILEPTIC ENCEPHALOPATHY 6A; Severe Myoclonic Epilepsy in Infancy (SMEI); SEVERE MYOCLONIC EPILEPSY OF INFANCY; Dravet syndrome. Identifiers: Orphanet 33069, MedGen C0751122, MONDO:0100135, OMIM 607208.

Submission:

Baylor Genetics
Classification: Likely pathogenic for Severe myoclonic epilepsy in infancy. Last evaluated: 2016-05-01. Review status: no assertion criteria provided. Collection method: clinical testing. Allele origin: de novo. Inheritance: Autosomal dominant inheritance. Affected: yes.